The following is an entry in ClinVar:

ClinVar aggregate classification (germline): Uncertain significance. Review status: criteria provided, multiple submitters, no conflicts (2 of 4 stars). 5 submissions from 5 submitters: Uncertain significance (5). Last evaluated 2024-11-12.

Conditions:
Inborn genetic diseases. Identifiers: MedGen C0950123, MeSH D030342.
Hyperphosphatasia with impaired intellectual development syndrome 1. Also called: MABRY SYNDROME; Hyperphosphatasia with intellectual disability syndrome 1; GLYCOSYLPHOSPHATIDYLINOSITOL BIOSYNTHESIS DEFECT 2. Identifiers: Orphanet 247262, MedGen C4551502, MONDO:0009398, OMIM 239300.

Allele frequency attached by ClinVar (database versions not stated): gnomAD 0.00002; gnomAD exomes 0.00002; TOPMed 0.00003; ExAC 0.00002.
gnomAD v4.1: 28 of 1,614,050 alleles (0.0017%); highest among the groups gnomAD compares: East Asian, 0.0045%; 1 homozygote.

Submissions (5):

Ambry Genetics
Classification: Uncertain significance for Inborn genetic diseases. Last evaluated: 2024-11-12. Review status: criteria provided, single submitter. Criteria: Ambry Variant Classification Scheme 2023. Collection method: clinical testing. Allele origin: germline.

Clinical Genetics Laboratory, Skane University Hospital Lund
Classification: Uncertain significance. Last evaluated: 2023-07-13. Review status: criteria provided, single submitter. Criteria: ACMG Guidelines, 2015. Collection method: clinical testing. Allele origin: germline. Affected: yes.

Labcorp Genetics (formerly Invitae), Labcorp
Classification: Uncertain significance. Last evaluated: 2022-03-08. Review status: criteria provided, single submitter. Criteria: Invitae Variant Classification Sherloc (09022015). Collection method: clinical testing. Allele origin: germline.
Comment: This sequence change replaces glycine, which is neutral and non-polar, with serine, which is neutral and polar, at codon 62 of the PIGV protein (p.Gly62Ser). This variant is present in population databases (rs777251503, gnomAD 0.004%). This variant has not been reported in the literature in individuals affected with PIGV-related conditions. ClinVar contains an entry for this variant (Variation ID: 1029490). Algorithms developed to predict the effect of missense changes on protein structure and function are either unavailable or do not agree on the potential impact of this missense change (SIFT: "Deleterious"; PolyPhen-2: "Probably Damaging"; Align-GVGD: "Class C0"). Algorithms developed to predict the effect of sequence changes on RNA splicing suggest that this variant may create or strengthen a splice site. In summary, the available evidence is currently insufficient to determine the role of this variant in disease. Therefore, it has been classified as a Variant of Uncertain Significance.

GeneDx
Classification: Uncertain significance. Last evaluated: 2020-02-06. Review status: criteria provided, single submitter. Criteria: GeneDx Variant Classification Process June 2021. Collection method: clinical testing. Allele origin: germline. Affected: yes.
Comment: Not observed at a significant frequency in large population cohorts (Lek et al., 2016); In silico analysis supports that this missense variant has a deleterious effect on protein structure/function; Has not been previously published as pathogenic or benign to our knowledge

Baylor Genetics
Classification: Uncertain significance for Hyperphosphatasia with impaired intellectual development syndrome 1. Last evaluated: 2020-01-27. Review status: criteria provided, single submitter. Criteria: ACMG Guidelines, 2015. Collection method: clinical testing. Allele origin: unknown. Affected: yes.
Comment: This variant was determined to be of uncertain significance according to ACMG Guidelines, 2015 [PMID:25741868].

NM_017837.4(PIGV):c.184G>A (p.Gly62Ser)

Gene: PIGV (phosphatidylinositol glycan anchor biosynthesis class V; plus strand). Cytogenetic location: 1p36.11.
Variant type: single nucleotide variant.
Coding change: c.184G>A on transcript NM_017837.4 (MANE Select); coding-DNA position 184, G replaced by A.
Protein change: p.Gly62Ser; replaces glycine 62 with serine.
Molecular consequence: missense variant. On other transcripts: 5 prime UTR variant (1), non-coding transcript variant (2), intron variant (3).
Genome position (GRCh38, 1-based): chr1:26,794,218, G>A. VCF-style: chr1-26794218-G-A. GRCh37 (hg19) VCF-style: chr1-27120709-G-A.
Other names: c.184G>A, p.Gly62Ser (NM_001202554.2, NM_001374478.1, NM_001374480.1 and 2 more transcripts); c.-198G>A (NM_001374483.1); c.172+12G>A (NM_001374484.1, NM_001374485.1); c.78+3325G>A (NM_001374486.1); short protein forms G62S.
Identifiers: ClinVar variation 1029490 (VCV001029490.10), dbSNP rs777251503, ClinGen allele CA708012.